The following is an entry in ClinVar:

ClinVar aggregate classification (germline): Uncertain significance. Review status: criteria provided, multiple submitters, no conflicts (2 of 4 stars). 2 submissions from 2 submitters: Uncertain significance (2). Last evaluated 2025-01-13.

Conditions:
IRF2BP2-related disorder. Also called: IRF2BP2-related condition.

Submissions (2):

PreventionGenetics, part of Exact Sciences
Classification: Uncertain significance for IRF2BP2-related condition. Last evaluated: 2025-01-13. Review status: criteria provided, single submitter. Criteria: ACMG Guidelines, 2015. Collection method: clinical testing. Allele origin: germline.
Comment: The IRF2BP2 c.1568C>G variant is predicted to result in the amino acid substitution p.Ser523Cys. To our knowledge, this variant has not been reported in the literature or in a large population database (gnomAD), indicating this variant is rare. At this time, the clinical significance of this variant is uncertain due to the absence of conclusive functional and genetic evidence.

Labcorp Genetics (formerly Invitae), Labcorp
Classification: Uncertain significance. Last evaluated: 2024-04-08. Review status: criteria provided, single submitter. Criteria: Invitae Variant Classification Sherloc (09022015). Collection method: clinical testing. Allele origin: germline.
Comment: This sequence change replaces serine, which is neutral and polar, with cysteine, which is neutral and slightly polar, at codon 523 of the IRF2BP2 protein (p.Ser523Cys). This variant is not present in population databases (gnomAD no frequency). This variant has not been reported in the literature in individuals affected with IRF2BP2-related conditions. An algorithm developed to predict the effect of missense changes on protein structure and function (PolyPhen-2) suggests that this variant is likely to be disruptive. In summary, the available evidence is currently insufficient to determine the role of this variant in disease. Therefore, it has been classified as a Variant of Uncertain Significance.

NM_182972.3(IRF2BP2):c.1568C>G (p.Ser523Cys)

Gene: IRF2BP2 (interferon regulatory factor 2 binding protein 2; minus strand). Cytogenetic location: 1q42.3.
Variant type: single nucleotide variant.
Coding change: c.1568C>G on transcript NM_182972.3 (MANE Select); coding-DNA position 1568, C replaced by G.
Protein change: p.Ser523Cys; replaces serine 523 with cysteine.
Molecular consequence: missense variant.
Genome position (GRCh38, 1-based): chr1:234,607,333, G>C on the plus strand (C>G on the coding strand, the complement: IRF2BP2 is on the minus strand). VCF-style: chr1-234607333-G-C. GRCh37 (hg19) VCF-style: chr1-234743079-G-C.
Other names: c.1520C>G, p.Ser507Cys (NM_001077397.1); c.1568C>G (NM_182972.2); short protein forms S523C, S507C.
Identifiers: ClinVar variation 3697128 (VCV003697128.3).